The following is an entry in ClinVar:

NM_033118.4(MYLK2):c.878+42T>C

Gene: MYLK2 (myosin light chain kinase 2; plus strand). Cytogenetic location: 20q11.21.
Variant type: single nucleotide variant.
Coding change: c.878+42T>C on transcript NM_033118.4 (MANE Select); 42 bases into the intron after coding-DNA position 878, T replaced by C.
Molecular consequence: intron variant.
Genome position (GRCh38, 1-based): chr20:31,823,624, T>C. VCF-style: chr20-31823624-T-C. GRCh37 (hg19) VCF-style: chr20-30411427-T-C.
Identifiers: ClinVar variation 671500 (VCV000671500.2), dbSNP rs6060971, ClinGen allele CA9803028.

ClinVar aggregate classification (germline): Benign. Review status: criteria provided, multiple submitters, no conflicts (2 of 4 stars). 2 submissions from 2 submitters: Benign (2). Last evaluated 2018-06-19.

Allele frequency attached by ClinVar (database versions not stated): gnomAD exomes 0.06533; ExAC 0.06784; 1000 Genomes Project 0.07208; 1000 Genomes Project 30x 0.07370; gnomAD 0.08786 and 0.09170; TOPMed 0.09025; ESP Exome Variant Server 0.10080.
gnomAD v4.1: 115,632 of 1,574,600 alleles (7.3%); highest among the groups gnomAD compares: African/African-American, 14%; 4,730 homozygotes.

Submissions (2):

GeneDx
Classification: Benign. Last evaluated: 2018-06-19. Review status: criteria provided, single submitter. Criteria: GeneDx Variant Classification (06012015). Collection method: clinical testing. Allele origin: germline. Affected: yes.
Comment: This variant is considered likely benign or benign based on one or more of the following criteria: it is a conservative change, it occurs at a poorly conserved position in the protein, it is predicted to be benign by multiple in silico algorithms, and/or has population frequency not consistent with disease.

Breakthrough Genomics
Classification: Benign. Review status: criteria provided, single submitter. Criteria: ACMG Guidelines, 2015. Collection method: not provided. Allele origin: germline. Inheritance: Autosomal dominant inheritance. Affected: yes.